The following is an entry in ClinVar:

ClinVar aggregate classification (germline): Likely pathogenic (1 of 4 stars; one submission).

Conditions:
Cohen syndrome (COH1). Also called: Cutis verticis gyrata, retinitis pigmentosa, and sensorineural deafness; PEPPER SYNDROME. Identifiers: Orphanet 193, MedGen C0265223, MONDO:0008999, OMIM 216550.

Submission:

Labcorp Genetics (formerly Invitae), Labcorp
Classification: Likely pathogenic for Cohen syndrome. Last evaluated: 2023-01-09. Review status: criteria provided, single submitter. Criteria: Invitae Variant Classification Sherloc (09022015). Collection method: clinical testing. Allele origin: unknown.
Comment: In summary, the currently available evidence indicates that the variant is pathogenic, but additional data are needed to prove that conclusively. Therefore, this variant has been classified as Likely Pathogenic. This variant has not been reported in the literature in individuals affected with VPS13B-related conditions. This variant results in the deletion of part of exon 3 (c.210_291+6240delinsC) of the VPS13B gene. It is expected to disrupt RNA splicing. Variants that disrupt the donor or acceptor splice site typically lead to a loss of protein function (PMID: 16199547), and loss-of-function variants in VPS13B are known to be pathogenic (PMID: 15141358, 16648375, 20461111).

Literature cited by the submitters: PubMed 16199547; PubMed 15141358; PubMed 16648375; PubMed 20461111.

NC_000008.10:g.(?_100050713)_(100057034_?)del

Gene: VPS13B (vacuolar protein sorting 13 homolog B; plus strand). Cytogenetic location: 8q22.2.
Variant type: Deletion.
Identifiers: ClinVar variation 3245480 (VCV003245480.1).